The following is an entry in ClinVar:

ClinVar aggregate classification (germline): Uncertain significance. Review status: criteria provided, multiple submitters, no conflicts (2 of 4 stars). 3 submissions from 3 submitters: Uncertain significance (3). Last evaluated 2025-06-07.

Allele frequency attached by ClinVar (database versions not stated): gnomAD 0.00003 and 0.00004; TOPMed 0.00005; ExAC 0.00003.
gnomAD v4.1: 77 of 1,610,184 alleles (0.0048%); highest among the groups gnomAD compares: African/African-American, 0.04%; 1 homozygote.

Submissions (3):

Ambry Genetics
Classification: Uncertain significance. Last evaluated: 2025-06-07. Review status: criteria provided, single submitter. Criteria: Ambry Variant Classification Scheme 2023. Collection method: clinical testing. Allele origin: germline.

GeneDx
Classification: Uncertain significance. Last evaluated: 2024-12-26. Review status: criteria provided, single submitter. Criteria: GeneDx Variant Classification Process June 2021. Collection method: clinical testing. Allele origin: germline. Affected: yes.
Comment: In silico analysis supports that this missense variant does not alter protein structure/function; Has not been previously published as pathogenic or benign to our knowledge

Genetic Services Laboratory, University of Chicago
Classification: Uncertain significance. Last evaluated: 2017-11-07. Review status: criteria provided, single submitter. Criteria: ACMG Guidelines, 2015. Collection method: clinical testing. Allele origin: germline. Affected: no.

NM_017757.3(ZNF407):c.6283G>A (p.Gly2095Ser)

Gene: ZNF407 (zinc finger protein 407; plus strand). Cytogenetic location: 18q22.3.
Variant type: single nucleotide variant.
Coding change: c.6283G>A on transcript NM_017757.3 (MANE Select); coding-DNA position 6283, G replaced by A.
Protein change: p.Gly2095Ser; replaces glycine 2095 with serine.
Molecular consequence: missense variant.
Genome position (GRCh38, 1-based): chr18:75,064,004, G>A. VCF-style: chr18-75064004-G-A. GRCh37 (hg19) VCF-style: chr18-72775960-G-A.
Other names: c.6283G>A, p.Gly2095Ser (NM_001384475.1); short protein forms G2095S.
Identifiers: ClinVar variation 1338325 (VCV001338325.9), dbSNP rs112370735, ClinGen allele CA9001344.